The following is an entry in ClinVar:

ClinVar aggregate classification (germline): Uncertain significance (1 of 4 stars; one submission).

gnomAD v4.1: 3 of 1,612,484 alleles (0.00019%); highest among the groups gnomAD compares: African/African-American, 0.0013%; no homozygotes.

Submission:

Labcorp Genetics (formerly Invitae), Labcorp
Classification: Uncertain significance. Last evaluated: 2024-04-10. Review status: criteria provided, single submitter. Criteria: Invitae Variant Classification Sherloc (09022015). Collection method: clinical testing. Allele origin: germline.
Comment: This sequence change replaces proline, which is neutral and non-polar, with serine, which is neutral and polar, at codon 351 of the PCLO protein (p.Pro351Ser). This variant is not present in population databases (gnomAD no frequency). This variant has not been reported in the literature in individuals affected with PCLO-related conditions. ClinVar contains an entry for this variant (Variation ID: 1442786). Algorithms developed to predict the effect of missense changes on protein structure and function output the following: SIFT: "Not Available"; PolyPhen-2: "Not Available"; Align-GVGD: "Not Available". The serine amino acid residue is found in multiple mammalian species, which suggests that this missense change does not adversely affect protein function. In summary, the available evidence is currently insufficient to determine the role of this variant in disease. Therefore, it has been classified as a Variant of Uncertain Significance.

NM_033026.6(PCLO):c.1051C>T (p.Pro351Ser)

Gene: PCLO (piccolo presynaptic cytomatrix protein; minus strand). Cytogenetic location: 7q21.11.
Variant type: single nucleotide variant.
Coding change: c.1051C>T on transcript NM_033026.6 (MANE Select); coding-DNA position 1051, C replaced by T.
Protein change: p.Pro351Ser; replaces proline 351 with serine.
Molecular consequence: missense variant.
Genome position (GRCh38, 1-based): chr7:83,155,590, G>A on the plus strand (C>T on the coding strand, the complement: PCLO is on the minus strand). VCF-style: chr7-83155590-G-A. GRCh37 (hg19) VCF-style: chr7-82784906-G-A.
Other names: c.1051C>T, p.Pro351Ser (NM_014510.3); short protein forms P351S.
Identifiers: ClinVar variation 1442786 (VCV001442786.7), dbSNP rs1284308005, ClinGen allele CA367916129.